The following is an entry in ClinVar:

NM_002016.2(FLG):c.9809G>A (p.Arg3270His)

Genes: CCDST (cervical cancer associated DHX9 suppressive transcript; plus strand), FLG (filaggrin; minus strand). Cytogenetic location: 1q21.3.
Variant type: single nucleotide variant.
Coding change: c.9809G>A on transcript NM_002016.2 (MANE Select); coding-DNA position 9809, G replaced by A.
Protein change: p.Arg3270His; replaces arginine 3270 with histidine.
Molecular consequence: missense variant.
Genome position (GRCh38, 1-based): chr1:152,305,077, C>T on the plus strand (G>A on the coding strand, the complement: FLG is on the minus strand). VCF-style: chr1-152305077-C-T. GRCh37 (hg19) VCF-style: chr1-152277553-C-T.
Other names: short protein forms R3270H.
Identifiers: ClinVar variation 2639245 (VCV002639245.24), dbSNP rs147429418, ClinGen allele CA1103665.

ClinVar aggregate classification (germline): Likely benign (1 of 4 stars; one submission).

Allele frequency attached by ClinVar (database versions not stated): ESP Exome Variant Server 0.00023; ExAC 0.00076; 1000 Genomes Project 30x 0.00406; 1000 Genomes Project 0.00459.
gnomAD v4.1: 481 of 1,613,908 alleles (0.03%); highest among the groups gnomAD compares: East Asian, 0.42%; 10 homozygotes.

Submission:

CeGaT Center for Human Genetics Tuebingen
Classification: Likely benign. Last evaluated: 2022-11-01. Review status: criteria provided, single submitter. Criteria: CeGaT Center For Human Genetics Tuebingen Variant Classification Criteria Version 2. Collection method: clinical testing. Allele origin: germline. Affected: yes. Observed: 2 variant alleles.
Comment: FLG: BP4, BS2